The following is an entry in ClinVar:

ClinVar aggregate classification (germline): Uncertain significance (0 of 4 stars; one submission).

Conditions:
AKAP11-related disorder. Also called: AKAP11-related condition.

Submission:

PreventionGenetics, part of Exact Sciences
Classification: Uncertain significance for AKAP11-related condition. Last evaluated: 2024-09-22. Review status: no assertion criteria provided. Collection method: clinical testing. Allele origin: germline.
Comment: The AKAP11 c.3643G>C variant is predicted to result in the amino acid substitution p.Ala1215Pro. To our knowledge, this variant has not been reported in the literature or in a large population database, indicating this variant is rare. At this time, the clinical significance of this variant is uncertain due to the absence of conclusive functional and genetic evidence.

NM_016248.4(AKAP11):c.3643G>C (p.Ala1215Pro)

Gene: AKAP11 (A-kinase anchoring protein 11; plus strand). Cytogenetic location: 13q14.11.
Variant type: single nucleotide variant.
Coding change: c.3643G>C on transcript NM_016248.4 (MANE Select); coding-DNA position 3643, G replaced by C.
Protein change: p.Ala1215Pro; replaces alanine 1215 with proline.
Molecular consequence: missense variant.
Genome position (GRCh38, 1-based): chr13:42,302,389, G>C. VCF-style: chr13-42302389-G-C. GRCh37 (hg19) VCF-style: chr13-42876525-G-C.
Other names: short protein forms A1215P.
Identifiers: ClinVar variation 3345994 (VCV003345994.1).